The following is an entry in ClinVar:

ClinVar aggregate classification (germline): Pathogenic/Likely pathogenic. Review status: criteria provided, multiple submitters, no conflicts (2 of 4 stars). 3 submissions from 3 submitters: Pathogenic (2); Likely pathogenic (1). Last evaluated 2025-11-12.

Conditions:
Cystinosis. Also called: Cystine diathesis; Cystine storage disease; Cystinoses. Identifiers: Orphanet 213, MedGen C4316899, MONDO:0016239.
Nephropathic cystinosis (CTNS). Also called: CYSTINOSIN, DEFECT OF; LYSOSOMAL CYSTINE TRANSPORT PROTEIN, DEFECT OF; Abderhalden Lignac Kaufmann disease; Abderhalden-Kaufmann-Lignac syndrome. Identifiers: Orphanet 213, Orphanet 411629, MedGen C2931187, MONDO:0100151, OMIM 219800.

Submissions (3):

Natera, Inc.
Classification: Pathogenic for Cystinosis. Last evaluated: 2025-11-12. Review status: criteria provided, single submitter. Criteria: Natera Variant Classification Schema (03/2026). Collection method: clinical testing. Allele origin: germline.
Comment: The c.1013T>G variant in CTNS is a missense variant predicted to cause substitution of leucine to arginine at amino acid 338. This variant is rare in the general population with a frequency below the threshold expected for the associated phenotype(s). This variant has been observed in one or more individuals affected with the associated recessive disease, as either homozygous or compound heterozygous with a second variant (PMID: 19852576). Additionally, this variant has been observed to segregate in affected family members (PMID: 19852576). Computational prediction algorithms indicate this variant is likely to affect gene or protein function. Given the available evidence, this variant is classified as Pathogenic.

Genomic Medicine Center of Excellence, King Faisal Specialist Hospital and Research Centre
Classification: Pathogenic for Nephropathic cystinosis. Last evaluated: 2025-09-10. Review status: criteria provided, single submitter. Criteria: ACMG Guidelines, 2015. Collection method: clinical testing. Allele origin: germline.

Myriad Genetics, Inc.
Classification: Likely pathogenic for Cystinosis. Last evaluated: 2025-08-26. Review status: criteria provided, single submitter. Criteria: Myriad Autosomal Dominant, Autosomal Recessive and X-Linked Classification Criteria (2023). Collection method: clinical testing. Allele origin: unknown.
Comment: NM_004937.2(CTNS):c.1013T>G(L338R) is a missense variant classified as likely pathogenic in the context of cystinosis. L338R has been observed in cases with relevant disease (PMID: 19852576). Relevant functional assessments of this variant are not available in the literature. L338R has not been observed in referenced population frequency databases. In summary, NM_004937.2(CTNS):c.1013T>G(L338R) is a missense variant that has been observed more frequently in cases with the relevant disease than in healthy populations. Please note: this variant was assessed in the context of healthy population screening.

Literature cited by the submitters: PubMed 19852576 (cited by Natera, Inc. and Myriad Genetics, Inc.).

NM_004937.3(CTNS):c.1013T>G (p.Leu338Arg)

Gene: CTNS (cystinosin, lysosomal cystine transporter; plus strand). Cytogenetic location: 17p13.2.
Variant type: single nucleotide variant.
Coding change: c.1013T>G on transcript NM_004937.3 (MANE Select); coding-DNA position 1013, T replaced by G.
Protein change: p.Leu338Arg; replaces leucine 338 with arginine.
Molecular consequence: missense variant.
Genome position (GRCh38, 1-based): chr17:3,660,278, T>G. VCF-style: chr17-3660278-T-G. GRCh37 (hg19) VCF-style: chr17-3563572-T-G.
Other names: c.1013T>G, p.Leu338Arg (NM_001031681.3, NM_001374492.1); c.572T>G, p.Leu191Arg (NM_001374493.1, NM_001374494.1, NM_001374495.1 and 1 more transcripts); c.1013T>G (NM_004937.2); short protein forms L191R, L338R.
Identifiers: ClinVar variation 4278128 (VCV004278128.3).